The following is an entry in ClinVar:

NM_000219.6(KCNE1):c.41C>G (p.Thr14Ser)

Gene: KCNE1 (potassium voltage-gated channel subfamily E regulatory subunit 1; minus strand). Cytogenetic location: 21q22.12.
Variant type: single nucleotide variant.
Coding change: c.41C>G on transcript NM_000219.6 (MANE Select); coding-DNA position 41, C replaced by G.
Protein change: p.Thr14Ser; replaces threonine 14 with serine.
Molecular consequence: missense variant.
Genome position (GRCh38, 1-based): chr21:34,449,594, G>C on the plus strand (C>G on the coding strand, the complement: KCNE1 is on the minus strand). VCF-style: chr21-34449594-G-C. GRCh37 (hg19) VCF-style: chr21-35821892-G-C.
Other names: c.41C>G, p.Thr14Ser (NM_001127668.4, NM_001127669.4, NM_001127670.4 and 4 more transcripts); short protein forms T14S.
Identifiers: ClinVar variation 3373887 (VCV003373887.2).

Conditions:
Long QT syndrome 5 (LQT5). Identifiers: Orphanet 101016, Orphanet 768, MedGen C1867904, MONDO:0013372, OMIM 613695.

Submission:

Roden Lab, Vanderbilt University Medical Center
No classification provided (evidence only). Condition: Long QT syndrome 5. Review status: no classification provided. Collection method: in vitro. Allele origin: not applicable. Functional consequence: Effect on ion channel function.
ClinVar note: "not provided" was previously submitted as the classification for the variant. However, the classification appeared to be based only on an observation of functional data so it was converted to no classification on 2025-07-30.